The following is an entry in ClinVar:

NM_182961.4(SYNE1):c.9449C>G (p.Ala3150Gly)

Gene: SYNE1 (spectrin repeat containing nuclear envelope protein 1; minus strand). Cytogenetic location: 6q25.2.
Variant type: single nucleotide variant.
Coding change: c.9449C>G on transcript NM_182961.4 (MANE Select); coding-DNA position 9449, C replaced by G.
Protein change: p.Ala3150Gly; replaces alanine 3150 with glycine.
Molecular consequence: missense variant.
Genome position (GRCh38, 1-based): chr6:152,373,095, G>C on the plus strand (C>G on the coding strand, the complement: SYNE1 is on the minus strand). VCF-style: chr6-152373095-G-C. GRCh37 (hg19) VCF-style: chr6-152694230-G-C.
Other names: c.9470C>G, p.Ala3157Gly (NM_033071.5); short protein forms A3150G, A3157G.
Identifiers: ClinVar variation 2163170 (VCV002163170.4), dbSNP rs2097216548, ClinGen allele CA366139894.
Genomic context (GRCh38, chr6:152,373,095, plus strand): 5'-ACCTCTAGAGCAGATTCTTTTTGGTGGAGATTTGAATGAAAATTTTTCCAATCTTCTTTT[G>C]CAGCTGTAACTTTGGCCTGGATCCCTTTCGCTTTCTCTTTGGTCAGCAGGGTACTCAGAA-3'
Protein context (NP_892006.3, residues 3140-3160): AKGIQAKVTA[Ala3150Gly]KEDWKNFHSN

ClinVar aggregate classification (germline): Uncertain significance (1 of 4 stars; one submission).

Conditions:
Autosomal recessive ataxia, Beauce type. Also called: SYNE1-Related Autosomal Recessive Cerebellar Ataxia; Spinocerebellar ataxia, autosomal recessive 8; ATAXIA, RECESSIVE, OF BEAUCE; SYNE1 Deficiency. Identifiers: Orphanet 88644, MedGen C1853116, MONDO:0012549, OMIM 610743.
Emery-Dreifuss muscular dystrophy 4, autosomal dominant (EDMD4). Also called: EMERY-DREIFUSS MUSCULAR DYSTROPHY 4 WITH VARIABLE FEATURES. Identifiers: Orphanet 261, MedGen C2751807, MONDO:0013071, OMIM 612998.

Allele frequency attached by ClinVar (database versions not stated): gnomAD exomes below 0.00001; gnomAD 0.00001.
gnomAD v4.1: 2 of 1,613,926 alleles (0.00012%); highest among the groups gnomAD compares: Admixed American, 0.0033%; no homozygotes.

Submission:

Labcorp Genetics (formerly Invitae), Labcorp
Classification: Uncertain significance for Emery-Dreifuss muscular dystrophy 4, autosomal dominant; Autosomal recessive ataxia, Beauce type. Last evaluated: 2022-07-19. Review status: criteria provided, single submitter. Criteria: Invitae Variant Classification Sherloc (09022015). Collection method: clinical testing. Allele origin: germline.
Comment: This variant has not been reported in the literature in individuals affected with SYNE1-related conditions. This variant is not present in population databases (gnomAD no frequency). This sequence change replaces alanine, which is neutral and non-polar, with glycine, which is neutral and non-polar, at codon 3157 of the SYNE1 protein (p.Ala3157Gly). Algorithms developed to predict the effect of missense changes on protein structure and function (SIFT, PolyPhen-2, Align-GVGD) all suggest that this variant is likely to be disruptive. In summary, the available evidence is currently insufficient to determine the role of this variant in disease. Therefore, it has been classified as a Variant of Uncertain Significance.